The following is an entry in ClinVar:

ClinVar aggregate classification (germline): Uncertain significance. Review status: criteria provided, multiple submitters, no conflicts (2 of 4 stars). 3 submissions from 3 submitters: Uncertain significance (3). Last evaluated 2025-10-06.

Conditions:
Neurofibromatosis, type 2 (SWNV). Also called: BILATERAL ACOUSTIC NEUROFIBROMATOSIS; NF2-Related Schwannomatosis; SCHWANNOMATOSIS, VESTIBULAR. Identifiers: Orphanet 637, MedGen C0027832, MONDO:0007039, OMIM 101000. Disease mechanism: loss of function.
Hereditary cancer-predisposing syndrome. Also called: Neoplastic Syndromes, Hereditary; Hereditary Cancer Syndrome; Hereditary neoplastic syndrome; Tumor predisposition. Identifiers: Orphanet 140162, MedGen C0027672, MeSH D009386, MONDO:0015356.

Allele frequency attached by ClinVar (database versions not stated): gnomAD exomes below 0.00001; TOPMed below 0.00001; gnomAD 0.00001.
gnomAD v4.1: 2 of 1,613,874 alleles (0.00012%); highest among the groups gnomAD compares: African/African-American, 0.0027%; no homozygotes.

Submissions (3):

Color Diagnostics, LLC DBA Color Health
Classification: Uncertain significance for Neurofibromatosis, type 2. Last evaluated: 2025-10-06. Review status: criteria provided, single submitter. Criteria: ACMG Guidelines, 2015. Collection method: clinical testing. Allele origin: germline.
Comment: This missense variant replaces arginine with glycine at codon 341 of the NF2 protein. Computational prediction is inconclusive regarding the impact of this variant on protein structure and function. To our knowledge, functional studies have not been reported for this variant. This variant has not been reported in individuals affected with NF2-related disorders in the literature. This variant has been identified in 2/1613874 chromosomes in the general population by the Genome Aggregation Database (gnomAD). The available evidence is insufficient to determine the role of this variant in disease conclusively. Therefore, this variant is classified as a Variant of Uncertain Significance.

Labcorp Genetics (formerly Invitae), Labcorp
Classification: Uncertain significance for Neurofibromatosis, type 2. Last evaluated: 2025-06-19. Review status: criteria provided, single submitter. Criteria: Invitae Variant Classification Sherloc (09022015). Collection method: clinical testing. Allele origin: germline.
Comment: This sequence change replaces arginine, which is basic and polar, with glycine, which is neutral and non-polar, at codon 341 of the NF2 protein (p.Arg341Gly). This variant is not present in population databases (gnomAD no frequency). This variant has not been reported in the literature in individuals affected with NF2-related conditions. ClinVar contains an entry for this variant (Variation ID: 1038092). Invitae Evidence Modeling of protein sequence and biophysical properties (such as structural, functional, and spatial information, amino acid conservation, physicochemical variation, residue mobility, and thermodynamic stability) has been performed for this missense variant. However, the output from this modeling did not meet the statistical confidence thresholds required to predict the impact of this variant on NF2 protein function. In summary, the available evidence is currently insufficient to determine the role of this variant in disease. Therefore, it has been classified as a Variant of Uncertain Significance.

Ambry Genetics
Classification: Uncertain significance for Hereditary cancer-predisposing syndrome. Last evaluated: 2023-12-21. Review status: criteria provided, single submitter. Criteria: Ambry Variant Classification Scheme 2023. Collection method: clinical testing. Allele origin: germline.
Comment: The p.R341G variant (also known as c.1021C>G), located in coding exon 11 of the NF2 gene, results from a C to G substitution at nucleotide position 1021. The arginine at codon 341 is replaced by glycine, an amino acid with dissimilar properties. This amino acid position is highly conserved in available vertebrate species. In addition, the in silico prediction for this alteration is inconclusive. Since supporting evidence is limited at this time, the clinical significance of this alteration remains unclear.

NM_000268.4(NF2):c.1021C>G (p.Arg341Gly)

Gene: NF2 (NF2, moesin-ezrin-radixin like (MERLIN) tumor suppressor; plus strand). Cytogenetic location: 22q12.2.
Variant type: single nucleotide variant.
Coding change: c.1021C>G on transcript NM_000268.4 (MANE Select); coding-DNA position 1021, C replaced by G.
Protein change: p.Arg341Gly; replaces arginine 341 with glycine.
Molecular consequence: missense variant. On other transcripts: non-coding transcript variant (1), intron variant (1).
Genome position (GRCh38, 1-based): chr22:29,671,847, C>G. VCF-style: chr22-29671847-C-G. GRCh37 (hg19) VCF-style: chr22-30067836-C-G.
Other names: c.1021C>G, p.Arg341Gly (NM_016418.5, NM_181825.3, NM_181832.3); c.895C>G, p.Arg299Gly (NM_181828.3); c.898C>G, p.Arg300Gly (NM_181829.3); c.772C>G, p.Arg258Gly (NM_181830.3, NM_181831.3); c.448-22905C>G (NM_181833.3); short protein forms R300G, R341G, R258G, R299G.
Identifiers: ClinVar variation 1038092 (VCV001038092.11), dbSNP rs74315499, ClinGen allele CA411146766.
Genomic context (GRCh38, chr22:29,671,847, plus strand): 5'-CCCTGTGATTCAATGACTGTTTTTCTTCACCCCTCGCAGATGGAGCGGCAGCGCCTCGCT[C>G]GAGAGAAGCAGATGAGGGAGGAGGCTGAACGCACGAGGGATGAGTTGGAGAGGAGGCTGC-3'
Protein context (NP_000259.1, residues 331-351): RKQMERQRLA[Arg341Gly]EKQMREEAER